The following is an entry in ClinVar:

NM_000179.3(MSH6):c.1144C>T (p.His382Tyr)

Gene: MSH6 (mutS homolog 6; plus strand). Cytogenetic location: 2p16.3.
Variant type: single nucleotide variant.
Coding change: c.1144C>T on transcript NM_000179.3 (MANE Select); coding-DNA position 1144, C replaced by T.
Protein change: p.His382Tyr; replaces histidine 382 with tyrosine.
Molecular consequence: missense variant.
Genome position (GRCh38, 1-based): chr2:47,799,127, C>T. VCF-style: chr2-47799127-C-T. GRCh37 (hg19) VCF-style: chr2-48026266-C-T.
Other names: c.754C>T, p.His252Tyr (NM_001281492.2); c.238C>T, p.His80Tyr (NM_001281493.2, NM_001281494.2); short protein forms H382Y, H80Y, H252Y.
Identifiers: ClinVar variation 89176 (VCV000089176.34), dbSNP rs587779207, ClinGen allele CA008133.

ClinVar aggregate classification (germline): Conflicting classifications of pathogenicity. Review status: criteria provided, conflicting classifications (1 of 4 stars). 11 submissions from 11 submitters: Uncertain significance (8); Likely benign (2). 1 of the submissions does not count toward it. Last evaluated 2026-01-28.

Conditions:
Lynch syndrome. Identifiers: Orphanet 144, MedGen C4552100, MONDO:0005835. Disease mechanism: loss of function.
Hereditary cancer-predisposing syndrome. Also called: Tumor predisposition; Hereditary Cancer Syndrome; Hereditary neoplastic syndrome; Neoplastic Syndromes, Hereditary. Identifiers: Orphanet 140162, MedGen C0027672, MeSH D009386, MONDO:0015356.
Hereditary nonpolyposis colorectal neoplasms. Identifiers: MedGen C0009405, MeSH D003123.
Lynch syndrome 5 (LYNCH5). Also called: Colorectal cancer, hereditary nonpolyposis, type 5; Hereditary non-polyposis colorectal cancer, type 5. Identifiers: Orphanet 144, MedGen C1833477, MONDO:0013710, OMIM 614350. Disease mechanism: loss of function.
Endometrial carcinoma. Also called: Endometrial carcinoma, somatic. Identifiers: MedGen C0476089, MONDO:0002447, OMIM 608089, HP:0012114.

Allele frequency attached by ClinVar (database versions not stated): gnomAD exomes 0.00001; ExAC 0.00002; TOPMed 0.00002; gnomAD 0.00003 and 0.00004.
gnomAD v4.1: 21 of 1,614,028 alleles (0.0013%); highest among the groups gnomAD compares: East Asian, 0.0067%; no homozygotes.

Submissions (11):

Labcorp Genetics (formerly Invitae), Labcorp
Classification: Likely benign for Hereditary nonpolyposis colorectal neoplasms. Last evaluated: 2026-01-28. Review status: criteria provided, single submitter. Criteria: Invitae Variant Classification Sherloc (09022015). Collection method: clinical testing. Allele origin: germline.

Color Diagnostics, LLC DBA Color Health
Classification: Uncertain significance for Hereditary cancer-predisposing syndrome. Last evaluated: 2025-11-06. Review status: criteria provided, single submitter. Criteria: ACMG Guidelines, 2015. Collection method: clinical testing. Allele origin: germline.
Comment: This missense variant replaces histidine with tyrosine at codon 382 of the MSH6 protein. Computational prediction suggests that this variant may not impact protein structure and function. To our knowledge, functional studies have not been reported for this variant. This variant has been reported in individuals affected with breast and/or ovarian cancer (PMID: 26689913, 32068069) and in an individual affected with colorectal cancer (LOVD database). This variant has been identified in 21/1614028 chromosomes in the general population by the Genome Aggregation Database (gnomAD). The available evidence is insufficient to determine the role of this variant in disease conclusively. Therefore, this variant is classified as a Variant of Uncertain Significance.

Women's Health and Genetics/Laboratory Corporation of America, LabCorp
Classification: Uncertain significance. Last evaluated: 2025-03-24. Review status: criteria provided, single submitter. Criteria: LabCorp Variant Classification Summary - May 2015. Collection method: clinical testing. Allele origin: germline.
Comment: Variant summary: MSH6 c.1144C>T (p.His382Tyr) results in a conservative amino acid change in the encoded protein sequence. Four of five in-silico tools predict a benign effect of the variant on protein function. The variant allele was found at a frequency of 1.2e-05 in 250932 control chromosomes (gnomAD). The available data on variant occurrences in the general population are insufficient to allow any conclusion about variant significance. c.1144C>T has been reported in the literature in an individual affected with breast cancer (Lu_2015), however it was also found in an individual in a non-cancer related cohort (Kraemer_2019). These reports do not provide unequivocal conclusions about association of the variant with Hereditary Nonpolyposis Colorectal Cancer. To our knowledge, no experimental evidence demonstrating an impact on protein function has been reported. The following publications have been ascertained in the context of this evaluation (PMID: 26689913, 31422574, 32068069). ClinVar contains an entry for this variant (Variation ID: 89176). Based on the evidence outlined above, the variant was classified as uncertain significance.

GeneDx
Classification: Uncertain significance. Last evaluated: 2024-11-26. Review status: criteria provided, single submitter. Criteria: GeneDx Variant Classification Process June 2021. Collection method: clinical testing. Allele origin: germline. Affected: yes.
Comment: In silico analysis indicates that this missense variant does not alter protein structure/function; This variant is associated with the following publications: (PMID: 26333163, 31422574, 32068069, 33471991, 17531815, 21120944, 26689913)

Quest Diagnostics Nichols Institute San Juan Capistrano
Classification: Uncertain significance. Last evaluated: 2024-03-21. Review status: criteria provided, single submitter. Criteria: Quest Diagnostics criteria. Collection method: clinical testing. Allele origin: unknown.
Comment: The MSH6 c.1144C>T (p.His382Tyr) variant has been reported in individuals with breast cancer (PMIDs: 32068069 (2020), 26689913 (2015)) as well as in reportedly healthy individuals (PMID: 31422574 (2019)). This variant has also been reported in individuals with breast cancer as well as in reportedly healthy individuals in a breast cancer association study (PMID: 33471991 (2021), see also LOVD). The frequency of this variant in the general population, 0.000039 (5/128694 chromosomes), is uninformative in assessment of its pathogenicity. Analysis of this variant using bioinformatics tools for the prediction of the effect of amino acid changes on protein structure and function yielded predictions that this variant is benign. Based on the available information, we are unable to determine the clinical significance of this variant.

All of Us Research Program, National Institutes of Health
Classification: Uncertain significance for Lynch syndrome. Last evaluated: 2023-10-30. Review status: criteria provided, single submitter. Criteria: ACMG Guidelines, 2015. Collection method: clinical testing. Allele origin: germline. Inheritance: Autosomal dominant inheritance. Observed: 4 variant alleles, 4 heterozygotes.
Comment: This missense variant replaces histidine with tyrosine at codon 382 of the MSH6 protein. Computational prediction suggests that this variant may not impact protein structure and function (internally defined REVEL score threshold <= 0.5, PMID: 27666373). To our knowledge, functional studies have not been reported for this variant. This variant has been reported in individuals affected with breast and/or ovarian cancer (PMID: 26689913, 32068069), and an individual in a cohort that was not selected for cancer phenotype (PMID: 31422574). This variant also has been reported in an individual affected with colorectal cancer (LOVD database). This variant has been identified in 6/282326 chromosomes in the general population by the Genome Aggregation Database (gnomAD). The available evidence is insufficient to determine the role of this variant in disease conclusively. Therefore, this variant is classified as a Variant of Uncertain Significance.

This study involves interpretation of variants in research participants for the purpose of population health screening. Participant phenotype was not available at the time of variant classification. Additional details can be found in publication PMID: 35346344, PMCID: PMC8962531

Baylor Genetics
Classification: Uncertain significance for Endometrial carcinoma. Last evaluated: 2023-10-05. Review status: criteria provided, single submitter. Criteria: ACMG Guidelines, 2015. Collection method: clinical testing. Allele origin: unknown.

Myriad Genetics, Inc.
Classification: Uncertain significance for Lynch syndrome 5. Last evaluated: 2023-03-30. Review status: criteria provided, single submitter. Criteria: Myriad Autosomal Dominant, Autosomal Recessive and X-Linked Classification Criteria (2023). Collection method: clinical testing. Allele origin: unknown.
Comment: This variant is classified as a variant of uncertain significance as there is insufficient evidence to determine its impact on protein function and/or cancer risk.

Sema4
Classification: Uncertain significance for Hereditary cancer-predisposing syndrome. Last evaluated: 2021-12-21. Review status: criteria provided, single submitter. Criteria: Sema4 Curation Guidelines. Collection method: curation. Allele origin: germline.
Comment: The MSH6 c.1144C>T (p.H382Y) variant has been reported in heterozygosity in at least five individuals with hereditary breast cancer as well as in unaffected controls (PMID: 32068069, 33471991). It was observed in 1/19950 chromosomes in the East Asian subpopulation in the large and broad cohorts of the Genome Aggregation Database (PMID: 32461654). This variant has been reported in ClinVar (Variation ID: 89176). Functional studies have not been performed, and in silico predictions of the variant's effect on protein function are inconclusive. The evidence is insufficient to meet ACMG/AMP criteria for classifying the variant as benign or pathogenic. Thus, the clinical significance of this variant is currently uncertain.

Ambry Genetics
Classification: Likely benign for Hereditary cancer-predisposing syndrome. Last evaluated: 2018-11-16. Review status: criteria provided, single submitter. Criteria: Ambry Variant Classification Scheme 2023. Collection method: clinical testing. Allele origin: germline.

Counsyl
Classification: Uncertain significance for Lynch syndrome 5. Last evaluated: 2016-08-29. Review status: no assertion criteria provided. Collection method: clinical testing. Allele origin: unknown. Not counted in ClinVar's aggregate classification.

Literature cited by the submitters: PubMed 26689913 (cited by 5 submitters); PubMed 32068069 (cited by 5 submitters); PubMed 31422574 (cited by 3 submitters); PubMed 33471991 (cited by Quest Diagnostics Nichols Institute San Juan Capistrano and Sema4); PubMed 26333163 (cited by Quest Diagnostics Nichols Institute San Juan Capistrano and Counsyl).